The following is an entry in ClinVar:

NM_145167.3(PIGM):c.959A>G (p.His320Arg)

Gene: PIGM (phosphatidylinositol glycan anchor biosynthesis class M; minus strand). Cytogenetic location: 1q23.2.
Variant type: single nucleotide variant.
Coding change: c.959A>G on transcript NM_145167.3 (MANE Select); coding-DNA position 959, A replaced by G.
Protein change: p.His320Arg; replaces histidine 320 with arginine.
Molecular consequence: missense variant.
Genome position (GRCh38, 1-based): chr1:160,030,781, T>C on the plus strand (A>G on the coding strand, the complement: PIGM is on the minus strand). VCF-style: chr1-160030781-T-C. GRCh37 (hg19) VCF-style: chr1-160000571-T-C.
Other names: short protein forms H320R.
Identifiers: ClinVar variation 2628534 (VCV002628534.4), dbSNP rs547183890, ClinGen allele CA1192945.
Genomic context (GRCh38, chr1:160,030,781, plus strand): 5'-AGGTACCAAAGAAAGTACTGGGAGGTGCAGACTTTGTTAAAAGTCACAAAAATGGACGTA[T>C]GAAGAAAACAACAAAAAACGAGGTCTCTGTAATAGGCGAAAGACACAGCTGAAAGCAAGA-3'
Protein context (NP_660150.1, residues 310-330): YRDLVFCCFL[His320Arg]TSIFVTFNKV

ClinVar aggregate classification (germline): Uncertain significance (1 of 4 stars; one submission).

Conditions:
PIGM-related disorder. Also called: PIGM-related condition.

Allele frequency attached by ClinVar (database versions not stated): TOPMed below 0.00001; gnomAD exomes 0.00001; ExAC 0.00002; gnomAD 0.00002; 1000 Genomes Project 30x 0.00016; 1000 Genomes Project 0.00020.

Submission:

PreventionGenetics, part of Exact Sciences
Classification: Uncertain significance for PIGM-related condition. Last evaluated: 2026-05-07. Review status: criteria provided, single submitter. Criteria: ACMG Guidelines, 2015. Collection method: clinical testing. Allele origin: germline.
Comment: The PIGM c.959A>G variant is predicted to result in the amino acid substitution p.His320Arg. This variant has been reported in the homozygous state in an individual with a complex phenotype including "facial and physical dysmorphisms, severe CNS structural anomalies, and a neurological phenotype of a diffuse encephalopathy" (Brady et al. 2024. PubMed ID: 39119839). Flow cytometry analysis of patient fibroblasts detected reduced expression of five glycosylphosphatidylinositol (GPI)-anchored cell-surface proteins consistent with underlying GPI deficiency (Brady et al. 2024. PubMed ID: 39119839). This variant is reported in 0.0065% of alleles in individuals of South Asian descent in gnomAD. Although we suspect that this variant may be pathogenic, the clinical significance of this variant is uncertain at this time due to the absence of conclusive functional and genetic evidence.